The following is an entry in ClinVar:

ClinVar aggregate classification (germline): Likely benign (0 of 4 stars; one submission).

Conditions:
CLMN-related disorder. Also called: CLMN-related condition.

Allele frequency attached by ClinVar (database versions not stated): ExAC 0.00016; TOPMed 0.00018; gnomAD 0.00019; 1000 Genomes Project 30x 0.00031; 1000 Genomes Project 0.00040; ESP Exome Variant Server 0.00054; gnomAD exomes 0.00056.
gnomAD v4.1: 771 of 1,523,016 alleles (0.051%); highest among the groups gnomAD compares: Non-Finnish European, 0.065%; no homozygotes.

Submission:

PreventionGenetics, part of Exact Sciences
Classification: Likely benign for CLMN-related condition. Last evaluated: 2019-05-01. Review status: no assertion criteria provided. Collection method: clinical testing. Allele origin: germline.
Comment: This variant is classified as likely benign based on ACMG/AMP sequence variant interpretation guidelines (Richards et al. 2015 PMID: 25741868, with internal and published modifications).

NM_024734.4(CLMN):c.621G>A (p.Ala207=)

Gene: CLMN (calmin; minus strand). Cytogenetic location: 14q32.13.
Variant type: single nucleotide variant.
Coding change: c.621G>A on transcript NM_024734.4 (MANE Select); coding-DNA position 621, G replaced by A.
Protein change: p.Ala207=; no amino-acid change (alanine 207 retained).
Molecular consequence: synonymous variant.
Genome position (GRCh38, 1-based): chr14:95,210,867, C>T on the plus strand (G>A on the coding strand, the complement: CLMN is on the minus strand). VCF-style: chr14-95210867-C-T. GRCh37 (hg19) VCF-style: chr14-95677204-C-T.
Identifiers: ClinVar variation 3037511 (VCV003037511.2), dbSNP rs139868659, ClinGen allele CA7332382.